The following is an entry in ClinVar:

NM_001365999.1(SZT2):c.9260A>G (p.His3087Arg)

Gene: SZT2 (SZT2 subunit of KICSTOR complex; plus strand). Cytogenetic location: 1p34.2.
Variant type: single nucleotide variant.
Coding change: c.9260A>G on transcript NM_001365999.1 (MANE Select); coding-DNA position 9260, A replaced by G.
Protein change: p.His3087Arg; replaces histidine 3087 with arginine.
Molecular consequence: missense variant.
Genome position (GRCh38, 1-based): chr1:43,447,142, A>G. VCF-style: chr1-43447142-A-G. GRCh37 (hg19) VCF-style: chr1-43912813-A-G.
Other names: c.9089A>G, p.His3030Arg (NM_015284.4); short protein forms H3030R, H3087R.
Identifiers: ClinVar variation 651736 (VCV000651736.16), dbSNP rs758905735, ClinGen allele CA810857.

ClinVar aggregate classification (germline): Uncertain significance. Review status: criteria provided, multiple submitters, no conflicts (2 of 4 stars). 4 submissions from 4 submitters: Uncertain significance (4). Last evaluated 2025-07-08.

Conditions:
Inborn genetic diseases. Identifiers: MedGen C0950123, MeSH D030342.
Developmental and epileptic encephalopathy, 18 (DEE18). Also called: Early infantile epileptic encephalopathy 18. Identifiers: Orphanet 369894, MedGen C3809624, MONDO:0014201, OMIM 615476.

Allele frequency attached by ClinVar (database versions not stated): gnomAD exomes 0.00007 and 0.00024; gnomAD 0.00012 and 0.00013; TOPMed 0.00012; ExAC 0.00006.
gnomAD v4.1: 370 of 1,612,902 alleles (0.023%); highest among the groups gnomAD compares: Non-Finnish European, 0.029%; no homozygotes.

Submissions (4):

GeneDx
Classification: Uncertain significance. Last evaluated: 2025-07-08. Review status: criteria provided, single submitter. Criteria: GeneDx Variant Classification Process June 2021. Collection method: clinical testing. Allele origin: germline. Affected: yes.
Comment: In silico analysis suggests that this missense variant does not alter protein structure/function; Has not been previously published as pathogenic or benign to our knowledge

Ambry Genetics
Classification: Uncertain significance for Inborn genetic diseases. Last evaluated: 2025-04-18. Review status: criteria provided, single submitter. Criteria: Ambry Variant Classification Scheme 2023. Collection method: clinical testing. Allele origin: germline.

Genome-Nilou Lab
Classification: Uncertain significance for Developmental and epileptic encephalopathy, 18. Last evaluated: 2023-04-11. Review status: criteria provided, single submitter. Criteria: ACMG Guidelines, 2015. Collection method: clinical testing. Allele origin: germline. Affected: no.

Labcorp Genetics (formerly Invitae), Labcorp
Classification: Uncertain significance. Last evaluated: 2022-10-13. Review status: criteria provided, single submitter. Criteria: Invitae Variant Classification Sherloc (09022015). Collection method: clinical testing. Allele origin: germline.
Comment: This sequence change replaces histidine, which is basic and polar, with arginine, which is basic and polar, at codon 3030 of the SZT2 protein (p.His3030Arg). This variant is present in population databases (rs758905735, gnomAD 0.02%). This variant has not been reported in the literature in individuals affected with SZT2-related conditions. ClinVar contains an entry for this variant (Variation ID: 651736). Advanced modeling of protein sequence and biophysical properties (such as structural, functional, and spatial information, amino acid conservation, physicochemical variation, residue mobility, and thermodynamic stability) performed at Invitae indicates that this missense variant is not expected to disrupt SZT2 protein function. In summary, the available evidence is currently insufficient to determine the role of this variant in disease. Therefore, it has been classified as a Variant of Uncertain Significance.